The following is an entry in ClinVar:

NM_004329.3(BMPR1A):c.644G>A (p.Ser215Asn)

Gene: BMPR1A (bone morphogenetic protein receptor type 1A; plus strand). Cytogenetic location: 10q23.2.
Variant type: single nucleotide variant.
Coding change: c.644G>A on transcript NM_004329.3 (MANE Select); coding-DNA position 644, G replaced by A.
Protein change: p.Ser215Asn; replaces serine 215 with asparagine.
Molecular consequence: missense variant.
Genome position (GRCh38, 1-based): chr10:86,912,353, G>A. VCF-style: chr10-86912353-G-A. GRCh37 (hg19) VCF-style: chr10-88672110-G-A.
Other names: short protein forms S215N.
Identifiers: ClinVar variation 482866 (VCV000482866.5), dbSNP rs1554890233, ClinGen allele CA377455027.

ClinVar aggregate classification (germline): Uncertain significance (1 of 4 stars; one submission).

Conditions:
Hereditary cancer-predisposing syndrome. Also called: Neoplastic Syndromes, Hereditary; Tumor predisposition; Hereditary Cancer Syndrome; Hereditary neoplastic syndrome. Identifiers: Orphanet 140162, MedGen C0027672, MeSH D009386, MONDO:0015356.

Submission:

Ambry Genetics
Classification: Uncertain significance for Hereditary cancer-predisposing syndrome. Last evaluated: 2016-04-14. Review status: criteria provided, single submitter. Criteria: Ambry Variant Classification Scheme 2023. Collection method: clinical testing. Allele origin: germline.
Comment: The p.S215N variant (also known as c.644G>A), located in coding exon 6 of the BMPR1A gene, results from a G to A substitution at nucleotide position 644. The serine at codon 215 is replaced by asparagine, an amino acid with highly similar properties. This variant was not reported in population based cohorts in the following databases: Database of Single Nucleotide Polymorphisms (dbSNP), NHLBI Exome Sequencing Project (ESP), and 1000 Genomes Project. In the ESP, this variant was not observed in 6503 samples (13006 alleles) with coverage at this position. To date, this alteration has been detected with an allele frequency of approximately 0.002% (greater than 65000 alleles tested) in our clinical cohort. This amino acid position is highly conserved in available vertebrate species. In addition, the in silico prediction for this alteration is inconclusive. Since supporting evidence is limited at this time, the clinical significance of this alteration remains unclear.